The following is an entry in ClinVar:

NM_130839.5(UBE3A):c.1609C>G (p.Leu537Val)

Genes: SNHG14 (small nucleolar RNA host gene 14; plus strand), UBE3A (ubiquitin protein ligase E3A; minus strand). Cytogenetic location: 15q11.2.
Variant type: single nucleotide variant.
Coding change: c.1609C>G on transcript NM_130839.5 (MANE Select); coding-DNA position 1609, C replaced by G.
Protein change: p.Leu537Val; replaces leucine 537 with valine.
Molecular consequence: missense variant. On other transcripts: intron variant (2).
Genome position (GRCh38, 1-based): chr15:25,360,527, G>C on the plus strand (C>G on the coding strand, the complement: UBE3A is on the minus strand). VCF-style: chr15-25360527-G-C. GRCh37 (hg19) VCF-style: chr15-25605674-G-C.
Other names: c.1618C>G, p.Leu540Val (NM_000462.5); c.1609C>G, p.Leu537Val (NM_001354505.1, NM_001354538.2, NM_001354545.2); c.1549C>G, p.Leu517Val (NM_001354506.2, NM_001354507.2, NM_001354508.2 and 17 more transcripts); c.1432C>G, p.Leu478Val (NM_001354546.2); c.302-4C>G (NM_001354551.2); c.362-4C>G (NM_001354550.2); short protein forms L517V, L537V, L478V, L540V.
Identifiers: ClinVar variation 3729100 (VCV003729100.2).
Genomic context (GRCh38, chr15:25,360,527, plus strand): 5'-CAAATTCCACATACAACTGCTTCTTCAAGTCTGCAGGATTTTCCATAGCGATCATCTCTA[G>C]CTAGTGATTGAAAAGATAAACATGAAAAGAAGATGATTGCTAGTATCAGGAAAAAAACAA-3'
Protein context (NP_570854.1, residues 527-547): DHIIDDALVR[Leu537Val]EMIAMENPAD

ClinVar aggregate classification (germline): Uncertain significance (1 of 4 stars; one submission).

Conditions:
Angelman syndrome (AS). Also called: HAPPY PUPPET SYNDROME. Identifiers: Orphanet 72, MedGen C0162635, MONDO:0007113, OMIM 105830. Disease mechanism: loss of function. Inheritance: AS is caused by disruption of maternally imprinted UBE3A located within the 15q11.2-q13 Angelman syndrome/Prader-Willi syndrome (AS/PWS) region., imprinting disorder.

Submission:

Labcorp Genetics (formerly Invitae), Labcorp
Classification: Uncertain significance for Angelman syndrome. Last evaluated: 2025-04-14. Review status: criteria provided, single submitter. Criteria: Invitae Variant Classification Sherloc (09022015). Collection method: clinical testing. Allele origin: germline.
Comment: This sequence change replaces leucine, which is neutral and non-polar, with valine, which is neutral and non-polar, at codon 517 of the UBE3A protein (p.Leu517Val). This variant is not present in population databases (gnomAD no frequency). This variant has not been reported in the literature in individuals affected with UBE3A-related conditions. ClinVar contains an entry for this variant (Variation ID: 3729100). An algorithm developed to predict the effect of missense changes on protein structure and function (PolyPhen-2) suggests that this variant is likely to be disruptive. In summary, the available evidence is currently insufficient to determine the role of this variant in disease. Therefore, it has been classified as a Variant of Uncertain Significance.